The following is an entry in ClinVar:

ClinVar aggregate classification (germline): Uncertain significance (1 of 4 stars; one submission).

Conditions:
Hypertrophic cardiomyopathy 2. Also called: TNNT2-Related Familial Hypertrophic Cardiomyopathy. Identifiers: MedGen C1861864, MONDO:0007266, OMIM 115195.
Cardiomyopathy, familial restrictive, 3. Identifiers: Orphanet 75249, MedGen C2676271, MONDO:0012900, OMIM 612422.
Dilated cardiomyopathy 1D. Identifiers: Orphanet 154, Orphanet 54260, MedGen C1832243, MONDO:0011095, OMIM 601494.

Submission:

Labcorp Genetics (formerly Invitae), Labcorp
Classification: Uncertain significance for Cardiomyopathy, familial restrictive, 3; Hypertrophic cardiomyopathy 2; Dilated cardiomyopathy 1D. Last evaluated: 2022-05-01. Review status: criteria provided, single submitter. Criteria: Invitae Variant Classification Sherloc (09022015). Collection method: clinical testing. Allele origin: germline.
Comment: In summary, the available evidence is currently insufficient to determine the role of this variant in disease. Therefore, it has been classified as a Variant of Uncertain Significance. This variant has not been reported in the literature in individuals affected with TNNT2-related conditions. This variant is not present in population databases (gnomAD no frequency). This sequence change creates a premature translational stop signal (p.Glu44Lysfs*56) in the TNNT2 gene. It is expected to result in an absent or disrupted protein product. However, the current clinical and genetic evidence is not sufficient to establish whether loss-of-function variants in TNNT2 cause disease.

NM_001276345.2(TNNT2):c.159del (p.Glu54fs)

Gene: TNNT2 (troponin T2, cardiac type; minus strand). Cytogenetic location: 1q32.1.
Variant type: Deletion.
Coding change: c.159del on transcript NM_001276345.2 (MANE Select); coding-DNA position 159, one base deleted (A; older notation c.159delA).
Protein change: p.Glu54fs; shifts the reading frame from glutamic acid 54.
Molecular consequence: frameshift variant.
Genome position (GRCh38, 1-based): chr1:201,368,166, T deleted on the plus strand (A on the coding strand, the reverse complement: TNNT2 is on the minus strand). VCF-style (leftmost placement, unchanged base first): chr1-201368165-CT-C. GRCh37 (hg19) VCF-style: chr1-201337293-CT-C.
Other names: c.159del, p.Glu54fs (NM_000364.4, NM_001276346.2); c.129del, p.Glu44fs (NM_001001430.3, NM_001001431.3, NM_001276347.2); c.114del, p.Glu39fs (NM_001001432.3); c.159delA, p.Glu54Lysfs (NM_001406723.1); c.129delA, p.Glu44Lysfs (NM_001406724.1, NM_001406725.1, NM_001406726.1 and 1 more transcripts); c.114delA, p.Glu39Lysfs (NM_001406728.1); short protein forms E39fs, E54fs, E44fs.
Identifiers: ClinVar variation 2132561 (VCV002132561.4), dbSNP rs2527079206, ClinGen allele CA2580061876.